The following is an entry in ClinVar:

ClinVar aggregate classification (germline): Uncertain significance (1 of 4 stars; one submission).

Conditions:
Sitosterolemia (STSL). Also called: PHYTOSTEROLEMIA. Identifiers: Orphanet 2882, MedGen C0342907, MONDO:0008863.

Allele frequency attached by ClinVar (database versions not stated): TOPMed below 0.00001; gnomAD exomes below 0.00001; gnomAD 0.00001.
gnomAD v4.1: 9 of 1,614,088 alleles (0.00056%); highest among the groups gnomAD compares: East Asian, 0.0067%; no homozygotes.

Submission:

Labcorp Genetics (formerly Invitae), Labcorp
Classification: Uncertain significance for Sitosterolemia. Last evaluated: 2024-10-23. Review status: criteria provided, single submitter. Criteria: Invitae Variant Classification Sherloc (09022015). Collection method: clinical testing. Allele origin: germline.
Comment: This sequence change replaces arginine, which is basic and polar, with cysteine, which is neutral and slightly polar, at codon 240 of the ABCG5 protein (p.Arg240Cys). This variant is present in population databases (no rsID available, gnomAD 0.006%). This variant has not been reported in the literature in individuals affected with ABCG5-related conditions. ClinVar contains an entry for this variant (Variation ID: 1365331). An algorithm developed to predict the effect of missense changes on protein structure and function (PolyPhen-2) suggests that this variant is likely to be disruptive. In summary, the available evidence is currently insufficient to determine the role of this variant in disease. Therefore, it has been classified as a Variant of Uncertain Significance.

NM_022436.3(ABCG5):c.718C>T (p.Arg240Cys)

Genes: ABCG5 (ATP binding cassette subfamily G member 5; minus strand), DYNC2LI1 (dynein cytoplasmic 2 light intermediate chain 1; plus strand). Cytogenetic location: 2p21.
Variant type: single nucleotide variant.
Coding change: c.718C>T on transcript NM_022436.3 (MANE Select); coding-DNA position 718, C replaced by T.
Protein change: p.Arg240Cys; replaces arginine 240 with cysteine.
Molecular consequence: missense variant. On other transcripts: intron variant (2).
Genome position (GRCh38, 1-based): chr2:43,826,438, G>A on the plus strand (C>T on the coding strand, the complement: ABCG5 is on the minus strand). VCF-style: chr2-43826438-G-A. GRCh37 (hg19) VCF-style: chr2-44053577-G-A.
Other names: c.*16-948G>A (NM_001348913.2, NM_001348912.2); short protein forms R240C.
Identifiers: ClinVar variation 1365331 (VCV001365331.7), dbSNP rs1018070975, ClinGen allele CA46464989.